The following is an entry in ClinVar:

ClinVar aggregate classification (germline): Benign/Likely benign. Review status: criteria provided, multiple submitters, no conflicts (2 of 4 stars). 10 submissions from 8 submitters: Benign (7); Likely benign (1). 2 of the submissions do not count toward it. Last evaluated 2026-02-04.

Conditions:
Thrombophilia due to thrombin defect (THPH1). Also called: Thrombosis susceptibility; THROMBOPHILIA DUE TO FACTOR 2 DEFECT; Prothrombin-Related Thrombophilia (Factor II); Prothrombin Thrombophilia. Identifiers: MedGen C3160733, MONDO:0008559, OMIM 188050. Disease mechanism: gain of function, loss of function.
Congenital factor V deficiency. Also called: LABILE FACTOR DEFICIENCY; OWREN PARAHEMOPHILIA; PARAHEMOPHILIA; Hereditary factor V deficiency disease. Identifiers: Orphanet 326, MedGen C0015499, MONDO:0009210, OMIM 227400.
Budd-Chiari syndrome (BDCHS). Also called: Hepatic vein obstruction. Identifiers: Orphanet 131, MedGen C0856761, MONDO:0010947, OMIM 600880, HP:0002639.
Factor V deficiency. Also called: Reduced coagulation factor V activity. Identifiers: Orphanet 326, MedGen C4317320, MONDO:0020586, HP:0003225.

Allele frequency attached by ClinVar (database versions not stated): gnomAD 0.24140 and 0.24547; ESP Exome Variant Server 0.24358; TOPMed 0.25424; 1000 Genomes Project 30x 0.25999; 1000 Genomes Project 0.26278; gnomAD exomes 0.27218 and 0.27846; ExAC 0.27365.

Submissions (10):

Labcorp Genetics (formerly Invitae), Labcorp
Classification: Benign for Congenital factor V deficiency. Last evaluated: 2026-02-04. Review status: criteria provided, single submitter. Criteria: Invitae Variant Classification Sherloc (09022015). Collection method: clinical testing. Allele origin: germline.

Mayo Clinic Laboratories, Mayo Clinic
Classification: Benign. Last evaluated: 2022-01-13. Review status: criteria provided, single submitter. Criteria: ACMG Guidelines, 2015. Collection method: clinical testing. Allele origin: germline. Observed: 100 variant alleles.

GeneDx
Classification: Benign. Last evaluated: 2018-11-11. Review status: criteria provided, single submitter. Criteria: GeneDx Variant Classification Process June 2021. Collection method: clinical testing. Allele origin: germline. Affected: yes.

Illumina Laboratory Services, Illumina
Classification: Benign for Budd-Chiari syndrome. Last evaluated: 2018-01-13. Review status: criteria provided, single submitter. Criteria: ICSL Variant Classification Criteria 13 December 2019. Collection method: clinical testing. Allele origin: germline.
Comment: This variant was observed in the ICSL laboratory as part of a predisposition screen in an ostensibly healthy population. It had not been previously curated by ICSL or reported in the Human Gene Mutation Database (HGMD: prior to June 1st, 2018), and was therefore a candidate for classification through an automated scoring system. Utilizing variant allele frequency, disease prevalence and penetrance estimates, and inheritance mode, an automated score was calculated to assess if this variant is too frequent to cause the disease. Based on the score and internal cut-off values, a variant classified as benign is not then subjected to further curation. The score for this variant resulted in a classification of benign for this disease.

Illumina Laboratory Services, Illumina
Classification: Benign for Congenital factor V deficiency. Last evaluated: 2018-01-13. Review status: criteria provided, single submitter. Criteria: ICSL Variant Classification Criteria 13 December 2019. Collection method: clinical testing. Allele origin: germline.
Comment: the same text as in the submission from Illumina Laboratory Services, Illumina above.

Illumina Laboratory Services, Illumina
Classification: Benign for Venous thrombosis. Last evaluated: 2018-01-13. Review status: criteria provided, single submitter. Criteria: ICSL Variant Classification Criteria 13 December 2019. Collection method: clinical testing. Allele origin: germline.
Comment: the same text as in the submission from Illumina Laboratory Services, Illumina above.

Breakthrough Genomics
Classification: Likely benign. Review status: criteria provided, single submitter. Criteria: ACMG Guidelines, 2015. Collection method: not provided. Allele origin: germline. Inheritance: Autosomal recessive inheritance. Affected: yes.

PreventionGenetics, part of Exact Sciences
Classification: Benign. Review status: criteria provided, single submitter. Criteria: ACMG Guidelines, 2015. Collection method: clinical testing. Allele origin: germline.

Diagnostic Laboratory, Department of Genetics, University Medical Center Groningen
Classification: Benign. Review status: no assertion criteria provided. Collection method: clinical testing. Allele origin: germline. Affected: yes. Study: VKGL Data-share Consensus. Not counted in ClinVar's aggregate classification.

Joint Genome Diagnostic Labs from Nijmegen and Maastricht, Radboudumc and MUMC+
Classification: Benign. Review status: no assertion criteria provided. Collection method: clinical testing. Allele origin: germline. Affected: yes. Study: VKGL Data-share Consensus. Not counted in ClinVar's aggregate classification.

NM_000130.5(F5):c.2301A>G (p.Ser767=)

Gene: F5 (coagulation factor V; minus strand). Cytogenetic location: 1q24.2.
Variant type: single nucleotide variant.
Coding change: c.2301A>G on transcript NM_000130.5 (MANE Select); coding-DNA position 2301, A replaced by G.
Protein change: p.Ser767=; no amino-acid change (serine 767 retained).
Molecular consequence: synonymous variant.
Genome position (GRCh38, 1-based): chr1:169,542,789, T>C on the plus strand (A>G on the coding strand, the complement: F5 is on the minus strand). VCF-style: chr1-169542789-T-C. GRCh37 (hg19) VCF-style: chr1-169512027-T-C.
Other names: p.Ser767=.
Identifiers: ClinVar variation 255196 (VCV000255196.18), dbSNP rs6021, ClinGen allele CA1234108.